The following is an entry in ClinVar:

ClinVar aggregate classification (germline): Pathogenic (1 of 4 stars; one submission).

Conditions:
Spinocerebellar ataxia type 29 (SCA29). Also called: CEREBELLAR ATAXIA, CONGENITAL NONPROGRESSIVE, AUTOSOMAL DOMINANT; Spinocerebellar ataxia 29, congenital nonprogressive. Identifiers: Orphanet 208513, MedGen C1861732, MONDO:0007298, OMIM 117360.

Allele frequency attached by ClinVar (database versions not stated): gnomAD exomes below 0.00001.
gnomAD v4.1: 1 of 1,610,912 alleles (0.000062%); no homozygotes.

Submission:

Schule lab, Hertie Institute for Clinical Brain Research
Classification: Pathogenic for Spinocerebellar ataxia type 29. Last evaluated: 2018-02-09. Review status: criteria provided, single submitter. Criteria: Synofzik et al. (Eur J Hum Genet. 2018). Collection method: research. Allele origin: de novo. Affected: yes. Observed: 1 variant allele.
Comment: reduced fractional Ca2+ release upon induction by IP3

NM_001378452.1(ITPR1):c.1702A>G (p.Arg568Gly)

Gene: ITPR1 (inositol 1,4,5-trisphosphate receptor type 1; plus strand). Cytogenetic location: 3p26.1.
Variant type: single nucleotide variant.
Coding change: c.1702A>G on transcript NM_001378452.1 (MANE Select); coding-DNA position 1702, A replaced by G.
Protein change: p.Arg568Gly; replaces arginine 568 with glycine.
Molecular consequence: missense variant.
Genome position (GRCh38, 1-based): chr3:4,665,285, A>G. VCF-style: chr3-4665285-A-G. GRCh37 (hg19) VCF-style: chr3-4706969-A-G.
Other names: c.1702A>G, p.Arg568Gly (NM_001099952.4); c.1657A>G, p.Arg553Gly (NM_001168272.2, NM_002222.7); short protein forms R553G, R568G.
Identifiers: ClinVar variation 503523 (VCV000503523.4), dbSNP rs1322796318, ClinGen allele CA351642398.